The following is an entry in ClinVar:

ClinVar aggregate classification (germline): Conflicting classifications of pathogenicity. Review status: criteria provided, conflicting classifications (1 of 4 stars). 2 submissions from 2 submitters: Likely pathogenic (1); Uncertain significance (1). Last evaluated 2026-10-14.

Conditions:
RASopathy. Also called: rasopathies; Noonan spectrum disorder. Identifiers: Orphanet 536391, MedGen C5555857, MONDO:0021060.

Submissions (2):

GeneDx
Classification: Likely pathogenic. Last evaluated: 2026-10-14. Review status: criteria provided, single submitter. Criteria: GeneDx Variant Classification Process June 2021. Collection method: clinical testing. Allele origin: germline.
Comment: Missense variants in this gene are a common cause of disease and they are underrepresented in the general population; Not observed at significant frequency in large population cohorts (gnomAD); In silico analysis supports that this missense variant has a deleterious effect on protein structure/function; Has not been previously published as pathogenic or benign to our knowledge; This variant is associated with the following publications: (PMID: 29493581)

Labcorp Genetics (formerly Invitae), Labcorp
Classification: Uncertain significance for RASopathy. Last evaluated: 2019-11-20. Review status: criteria provided, single submitter. Criteria: Invitae Variant Classification Sherloc (09022015). Collection method: clinical testing. Allele origin: germline.
Comment: This variant is not present in population databases (ExAC no frequency). This variant has not been reported in the literature in individuals with PTPN11-related conditions. Algorithms developed to predict the effect of missense changes on protein structure and function are either unavailable or do not agree on the potential impact of this missense change (SIFT: "Tolerated"; PolyPhen-2: "Possibly Damaging"; Align-GVGD: "Class C0"). In summary, the available evidence is currently insufficient to determine the role of this variant in disease. Therefore, it has been classified as a Variant of Uncertain Significance. This sequence change replaces threonine with alanine at codon 168 of the PTPN11 protein (p.Thr168Ala). The threonine residue is moderately conserved and there is a small physicochemical difference between threonine and alanine.

NM_002834.5(PTPN11):c.502A>G (p.Thr168Ala)

Gene: PTPN11 (protein tyrosine phosphatase non-receptor type 11; plus strand). Cytogenetic location: 12q24.13.
Variant type: single nucleotide variant.
Coding change: c.502A>G on transcript NM_002834.5 (MANE Select); coding-DNA position 502, A replaced by G.
Protein change: p.Thr168Ala; replaces threonine 168 with alanine.
Molecular consequence: missense variant.
Genome position (GRCh38, 1-based): chr12:112,453,364, A>G. VCF-style: chr12-112453364-A-G. GRCh37 (hg19) VCF-style: chr12-112891168-A-G.
Other names: c.502A>G, p.Thr168Ala (NM_001330437.2, NM_080601.3); c.499A>G, p.Thr167Ala (NM_001374625.1); short protein forms T167A, T168A.
Identifiers: ClinVar variation 860745 (VCV000860745.13), dbSNP rs2038105901, ClinGen allele CA386781836.